The following is an entry in ClinVar:

ClinVar aggregate classification (germline): Uncertain significance (1 of 4 stars; one submission).

gnomAD v4.1: 8 of 1,528,542 alleles (0.00052%); highest among the groups gnomAD compares: Non-Finnish European, 0.00073%; no homozygotes.

Submission:

Labcorp Genetics (formerly Invitae), Labcorp
Classification: Uncertain significance. Last evaluated: 2024-02-24. Review status: criteria provided, single submitter. Criteria: Invitae Variant Classification Sherloc (09022015). Collection method: clinical testing. Allele origin: germline.
Comment: This sequence change replaces proline, which is neutral and non-polar, with serine, which is neutral and polar, at codon 848 of the COL18A1 protein (p.Pro848Ser). This variant is not present in population databases (gnomAD no frequency). This variant has not been reported in the literature in individuals affected with COL18A1-related conditions. ClinVar contains an entry for this variant (Variation ID: 2131316). Experimental studies and prediction algorithms are not available or were not evaluated, and the functional significance of this variant is currently unknown. In summary, the available evidence is currently insufficient to determine the role of this variant in disease. Therefore, it has been classified as a Variant of Uncertain Significance.

NM_001379500.1(COL18A1):c.2542C>T (p.Pro848Ser)

Gene: COL18A1 (collagen type XVIII alpha 1 chain; plus strand). Cytogenetic location: 21q22.3.
Variant type: single nucleotide variant.
Coding change: c.2542C>T on transcript NM_001379500.1 (MANE Select); coding-DNA position 2542, C replaced by T.
Protein change: p.Pro848Ser; replaces proline 848 with serine.
Molecular consequence: missense variant.
Genome position (GRCh38, 1-based): chr21:45,496,533, C>T. VCF-style: chr21-45496533-C-T. GRCh37 (hg19) VCF-style: chr21-46916447-C-T.
Other names: c.3082C>T, p.Pro1028Ser (NM_030582.4); c.3787C>T, p.Pro1263Ser (NM_130444.3); short protein forms P1028S, P1263S, P848S.
Identifiers: ClinVar variation 2131316 (VCV002131316.4), dbSNP rs2517715035, ClinGen allele CA410497958.